The following is an entry in ClinVar:

NC_000010.10:g.(?_73437193)_(73437470_?)del

Gene: CDH23 (cadherin related 23; plus strand). Cytogenetic location: 10q22.1.
Variant type: Deletion.
Identifiers: ClinVar variation 3244999 (VCV003244999.1).

ClinVar aggregate classification (germline): Pathogenic (1 of 4 stars; one submission).

Submission:

Labcorp Genetics (formerly Invitae), Labcorp
Classification: Pathogenic. Last evaluated: 2023-07-18. Review status: criteria provided, single submitter. Criteria: Invitae Variant Classification Sherloc (09022015). Collection method: clinical testing. Allele origin: unknown.
Comment: For these reasons, this variant has been classified as Pathogenic. This variant has not been reported in the literature in individuals affected with CDH23-related conditions. This variant is a gross deletion of the genomic region encompassing exon(s) 16 of the CDH23 gene. This deletion is out-of-frame, and is expected to create a premature termination codon and result in an absent or disrupted protein product. Loss-of-function variants in CDH23 are known to be pathogenic (PMID: 11138009, 21940737).

Literature cited by the submitters: PubMed 11138009; PubMed 21940737.